The following is an entry in ClinVar:

NM_000313.4(PROS1):c.341T>G (p.Val114Gly)

Gene: PROS1 (protein S; minus strand). Cytogenetic location: 3q11.1.
Variant type: single nucleotide variant.
Coding change: c.341T>G on transcript NM_000313.4 (MANE Select); coding-DNA position 341, T replaced by G.
Protein change: p.Val114Gly; replaces valine 114 with glycine.
Molecular consequence: missense variant.
Genome position (GRCh38, 1-based): chr3:93,910,624, A>C on the plus strand (T>G on the coding strand, the complement: PROS1 is on the minus strand). VCF-style: chr3-93910624-A-C. GRCh37 (hg19) VCF-style: chr3-93629468-A-C.
Other names: c.437T>G, p.Val146Gly (NM_001314077.2); short protein forms V114G, V146G.
Identifiers: ClinVar variation 3350053 (VCV003350053.1).

ClinVar aggregate classification (germline): Uncertain significance (0 of 4 stars; one submission).

Conditions:
PROS1-related disorder. Also called: PROS1-related condition.

Submission:

PreventionGenetics, part of Exact Sciences
Classification: Uncertain significance for PROS1-related condition. Last evaluated: 2024-03-12. Review status: no assertion criteria provided. Collection method: clinical testing. Allele origin: germline.
Comment: The PROS1 c.341T>G variant is predicted to result in the amino acid substitution p.Val114Gly. To our knowledge, this variant has not been reported in the literature or in a large population database, indicating this variant is rare. At this time, the clinical significance of this variant is uncertain due to the absence of conclusive functional and genetic evidence.